The following is an entry in ClinVar:

NM_001110556.2(FLNA):c.675G>T (p.Ala225=)

Gene: FLNA (filamin A; minus strand). Cytogenetic location: Xq28.
Variant type: single nucleotide variant.
Coding change: c.675G>T on transcript NM_001110556.2 (MANE Select); coding-DNA position 675, G replaced by T.
Protein change: p.Ala225=; no amino-acid change (alanine 225 retained).
Molecular consequence: synonymous variant.
Genome position (GRCh38, 1-based): chrX:154,367,686, C>A on the plus strand (G>T on the coding strand, the complement: FLNA is on the minus strand). VCF-style: chrX-154367686-C-A. GRCh37 (hg19) VCF-style: chrX-153596054-C-A.
Other names: p.Ala225=; c.675G>T, p.Ala225= (NM_001456.4).
Identifiers: ClinVar variation 4684545 (VCV004684545.1).

ClinVar aggregate classification (germline): Likely benign (1 of 4 stars; one submission).

gnomAD v4.1: 3 of 1,211,386 alleles (0.00025%); highest among the groups gnomAD compares: South Asian, 0.0053%; no homozygotes.

Submission:

Mayo Clinic Laboratories, Mayo Clinic
Classification: Likely benign. Last evaluated: 2025-04-30. Review status: criteria provided, single submitter. Criteria: ACMG Guidelines, 2015. Collection method: clinical testing. Allele origin: germline. Observed: 1 variant allele.
Comment: BP4, BP7